The following is an entry in ClinVar:

ClinVar aggregate classification (germline): Uncertain significance (1 of 4 stars; one submission).

gnomAD v4.1: 3 of 1,612,908 alleles (0.00019%); highest among the groups gnomAD compares: Non-Finnish European, 0.00025%; no homozygotes.

Submission:

Women's Health and Genetics/Laboratory Corporation of America, LabCorp
Classification: Uncertain significance. Last evaluated: 2025-01-06. Review status: criteria provided, single submitter. Criteria: LabCorp Variant Classification Summary - May 2015. Collection method: clinical testing. Allele origin: germline.
Comment: Variant summary: FAT2 c.3166G>A (p.Ala1056Thr) results in a non-conservative amino acid change located in the Cadherins domain profile domain of the encoded protein sequence. Five of five in-silico tools predict a damaging effect of the variant on protein function. The frequency data for this variant in gnomAD is considered unreliable, as metrics indicate poor data quality at this position. To our knowledge, no occurrence of c.3166G>A in individuals affected with Spinocerebellar Ataxia 45 and no experimental evidence demonstrating its impact on protein function have been reported. No submitters have cited clinical-significance assessments for this variant to ClinVar. Based on the evidence outlined above, the variant was classified as uncertain significance.

NM_001447.3(FAT2):c.3166G>A (p.Ala1056Thr)

Gene: FAT2 (FAT atypical cadherin 2; minus strand). Cytogenetic location: 5q33.1.
Variant type: single nucleotide variant.
Coding change: c.3166G>A on transcript NM_001447.3 (MANE Select); coding-DNA position 3166, G replaced by A.
Protein change: p.Ala1056Thr; replaces alanine 1056 with threonine.
Molecular consequence: missense variant.
Genome position (GRCh38, 1-based): chr5:151,565,766, C>T on the plus strand (G>A on the coding strand, the complement: FAT2 is on the minus strand). VCF-style: chr5-151565766-C-T. GRCh37 (hg19) VCF-style: chr5-150945327-C-T.
Other names: short protein forms A1056T.
Identifiers: ClinVar variation 3769266 (VCV003769266.2).